The following is an entry in ClinVar:

ClinVar aggregate classification (germline): Likely benign. Review status: criteria provided, multiple submitters, no conflicts (2 of 4 stars). 2 submissions from 2 submitters: Likely benign (2). Last evaluated 2025-09-05.

Conditions:
IMPG2-related disorder. Also called: IMPG2-related condition.

Allele frequency attached by ClinVar (database versions not stated): TOPMed 0.00001; gnomAD 0.00003.
gnomAD v4.1: 18 of 1,613,760 alleles (0.0011%); highest among the groups gnomAD compares: African/African-American, 0.008%; no homozygotes.

Submissions (2):

PreventionGenetics, part of Exact Sciences
Classification: Likely benign for IMPG2-related condition. Last evaluated: 2025-09-05. Review status: criteria provided, single submitter. Criteria: ACMG Guidelines, 2015. Collection method: clinical testing. Allele origin: germline.
Comment: This variant is classified as likely benign based on ACMG/AMP sequence variant interpretation guidelines (Richards et al. 2015 PMID: 25741868, with internal and published modifications).

Labcorp Genetics (formerly Invitae), Labcorp
Classification: Likely benign. Last evaluated: 2022-10-24. Review status: criteria provided, single submitter. Criteria: Invitae Variant Classification Sherloc (09022015). Collection method: clinical testing. Allele origin: germline.

NM_016247.4(IMPG2):c.2832G>A (p.Thr944=)

Gene: IMPG2 (interphotoreceptor matrix proteoglycan 2; minus strand). Cytogenetic location: 3q12.3.
Variant type: single nucleotide variant.
Coding change: c.2832G>A on transcript NM_016247.4 (MANE Select); coding-DNA position 2832, G replaced by A.
Protein change: p.Thr944=; no amino-acid change (threonine 944 retained).
Molecular consequence: synonymous variant.
Genome position (GRCh38, 1-based): chr3:101,242,878, C>T on the plus strand (G>A on the coding strand, the complement: IMPG2 is on the minus strand). VCF-style: chr3-101242878-C-T. GRCh37 (hg19) VCF-style: chr3-100961722-C-T.
Other names: c.2832G>A (NM_016247.3).
Identifiers: ClinVar variation 1909599 (VCV001909599.6), dbSNP rs1394656229, ClinGen allele CA434712574.